The following is an entry in ClinVar:

NM_004958.4(MTOR):c.496C>T (p.His166Tyr)

Gene: MTOR (mechanistic target of rapamycin kinase; minus strand). Cytogenetic location: 1p36.22.
Variant type: single nucleotide variant.
Coding change: c.496C>T on transcript NM_004958.4 (MANE Select); coding-DNA position 496, C replaced by T.
Protein change: p.His166Tyr; replaces histidine 166 with tyrosine.
Molecular consequence: missense variant. On other transcripts: 5 prime UTR variant (1).
Genome position (GRCh38, 1-based): chr1:11,256,941, G>A on the plus strand (C>T on the coding strand, the complement: MTOR is on the minus strand). VCF-style: chr1-11256941-G-A. GRCh37 (hg19) VCF-style: chr1-11316998-G-A.
Other names: c.496C>T, p.His166Tyr (NM_001386500.1); c.-644C>T (NM_001386501.1); short protein forms H166Y.
Identifiers: ClinVar variation 1418904 (VCV001418904.8), dbSNP rs1239466877, ClinGen allele CA338403400.

ClinVar aggregate classification (germline): Uncertain significance (1 of 4 stars; one submission).

Allele frequency attached by ClinVar (database versions not stated): gnomAD exomes below 0.00001; gnomAD 0.00001.

Submission:

Labcorp Genetics (formerly Invitae), Labcorp
Classification: Uncertain significance. Last evaluated: 2023-07-13. Review status: criteria provided, single submitter. Criteria: Invitae Variant Classification Sherloc (09022015). Collection method: clinical testing. Allele origin: germline.
Comment: This variant has not been reported in the literature in individuals affected with MTOR-related conditions. ClinVar contains an entry for this variant (Variation ID: 1418904). Advanced modeling of protein sequence and biophysical properties (such as structural, functional, and spatial information, amino acid conservation, physicochemical variation, residue mobility, and thermodynamic stability) performed at Invitae indicates that this missense variant is not expected to disrupt MTOR protein function. In summary, the available evidence is currently insufficient to determine the role of this variant in disease. Therefore, it has been classified as a Variant of Uncertain Significance. This sequence change replaces histidine, which is basic and polar, with tyrosine, which is neutral and polar, at codon 166 of the MTOR protein (p.His166Tyr). This variant is present in population databases (no rsID available, gnomAD 0.06%).